The following is an entry in ClinVar:

NM_022114.4(PRDM16):c.1376C>T (p.Pro459Leu)

Gene: PRDM16 (PR/SET domain 16; plus strand). Cytogenetic location: 1p36.32.
Variant type: single nucleotide variant.
Coding change: c.1376C>T on transcript NM_022114.4 (MANE Select); coding-DNA position 1376, C replaced by T.
Protein change: p.Pro459Leu; replaces proline 459 with leucine.
Molecular consequence: missense variant.
Genome position (GRCh38, 1-based): chr1:3,411,573, C>T. VCF-style: chr1-3411573-C-T. GRCh37 (hg19) VCF-style: chr1-3328137-C-T.
Other names: c.1376C>T, p.Pro459Leu (NM_199454.3); short protein forms P459L.
Identifiers: ClinVar variation 2717521 (VCV002717521.5), dbSNP rs766003870, ClinGen allele CA544175.

ClinVar aggregate classification (germline): Uncertain significance. Review status: criteria provided, multiple submitters, no conflicts (2 of 4 stars). 2 submissions from 2 submitters: Uncertain significance (2). Last evaluated 2025-08-11.

Conditions:
Left ventricular noncompaction 8 (LVNC8). Identifiers: Orphanet 154, Orphanet 54260, MedGen C3809288, MONDO:0014152, OMIM 615373.

Allele frequency attached by ClinVar (database versions not stated): TOPMed below 0.00001; ExAC 0.00001; gnomAD 0.00001; gnomAD exomes 0.00003.
gnomAD v4.1: 42 of 1,613,952 alleles (0.0026%); highest among the groups gnomAD compares: East Asian, 0.0045%; no homozygotes.

Submissions (2):

Labcorp Genetics (formerly Invitae), Labcorp
Classification: Uncertain significance for Left ventricular noncompaction 8. Last evaluated: 2025-08-11. Review status: criteria provided, single submitter. Criteria: Invitae Variant Classification Sherloc (09022015). Collection method: clinical testing. Allele origin: germline.
Comment: This sequence change replaces proline, which is neutral and non-polar, with leucine, which is neutral and non-polar, at codon 459 of the PRDM16 protein (p.Pro459Leu). This variant is present in population databases (rs766003870, gnomAD 0.003%). This variant has not been reported in the literature in individuals affected with PRDM16-related conditions. ClinVar contains an entry for this variant (Variation ID: 2717521). An algorithm developed to predict the effect of missense changes on protein structure and function (PolyPhen-2) suggests that this variant is likely to be tolerated. In summary, the available evidence is currently insufficient to determine the role of this variant in disease. Therefore, it has been classified as a Variant of Uncertain Significance.

Women's Health and Genetics/Laboratory Corporation of America, LabCorp
Classification: Uncertain significance. Last evaluated: 2025-04-08. Review status: criteria provided, single submitter. Criteria: LabCorp Variant Classification Summary - May 2015. Collection method: clinical testing. Allele origin: germline.
Comment: Variant summary: PRDM16 c.1376C>T (p.Pro459Leu) results in a non-conservative amino acid change in the encoded protein sequence. Four of five in-silico tools predict a damaging effect of the variant on protein function. The variant allele was found at a frequency of 8e-06 in 248874 control chromosomes. The available data on variant occurrences in the general population are insufficient to allow any conclusion about variant significance. To our knowledge, no occurrence of c.1376C>T in individuals affected with Cardiomyopathy and no experimental evidence demonstrating its impact on protein function have been reported. ClinVar contains an entry for this variant (Variation ID: 2717521). Based on the evidence outlined above, the variant was classified as uncertain significance.